The following is an entry in ClinVar:

NM_001386094.1(AGBL1):c.2609G>A (p.Ser870Asn)

Gene: AGBL1 (AGBL carboxypeptidase 1; plus strand). Cytogenetic location: 15q25.3.
Variant type: single nucleotide variant.
Coding change: c.2609G>A on transcript NM_001386094.1 (MANE Select); coding-DNA position 2609, G replaced by A.
Protein change: p.Ser870Asn; replaces serine 870 with asparagine.
Molecular consequence: missense variant.
Genome position (GRCh38, 1-based): chr15:86,522,863, G>A. VCF-style: chr15-86522863-G-A. GRCh37 (hg19) VCF-style: chr15-87066094-G-A.
Other names: c.2609G>A, p.Ser870Asn (NM_152336.4); short protein forms S870N.
Identifiers: ClinVar variation 3034695 (VCV003034695.2), dbSNP rs201523870, ClinGen allele CA7716161.

ClinVar aggregate classification (germline): Likely benign (0 of 4 stars; one submission).

Conditions:
AGBL1-related disorder. Also called: AGBL1-related condition.

Allele frequency attached by ClinVar (database versions not stated): ESP Exome Variant Server 0.00024.
gnomAD v4.1: 212 of 1,613,798 alleles (0.013%); highest among the groups gnomAD compares: Admixed American, 0.013%; 1 homozygote.

Submission:

PreventionGenetics, part of Exact Sciences
Classification: Likely benign for AGBL1-related condition. Last evaluated: 2019-12-18. Review status: no assertion criteria provided. Collection method: clinical testing. Allele origin: germline.
Comment: This variant is classified as likely benign based on ACMG/AMP sequence variant interpretation guidelines (Richards et al. 2015 PMID: 25741868, with internal and published modifications).